The following is an entry in ClinVar:

NM_000199.5(SGSH):c.1297C>T (p.Arg433Trp)

Gene: SGSH (N-sulfoglucosamine sulfohydrolase; minus strand). Cytogenetic location: 17q25.3.
Variant type: single nucleotide variant.
Coding change: c.1297C>T on transcript NM_000199.5 (MANE Select); coding-DNA position 1297, C replaced by T.
Protein change: p.Arg433Trp; replaces arginine 433 with tryptophan.
Molecular consequence: missense variant. On other transcripts: 3 prime UTR variant (2), non-coding transcript variant (1).
Genome position (GRCh38, 1-based): chr17:80,210,664, G>A on the plus strand (C>T on the coding strand, the complement: SGSH is on the minus strand). VCF-style: chr17-80210664-G-A. GRCh37 (hg19) VCF-style: chr17-78184463-G-A.
Other names: c.1297C>T (NM_000199.4); c.*384C>T (NM_001352921.3); c.*347C>T (NM_001352922.2); short protein forms R433W.
Identifiers: ClinVar variation 551014 (VCV000551014.24), dbSNP rs777267343, ClinGen allele CA8817624.
Genomic context (GRCh38, chr17:80,210,664, plus strand): 5'-TGGCCAGGTTCTGGGTCTCGTGGGGGTCCCGGCTCCGGTCGTAGAGCTCCCAGCGCGCCC[G>A]GTAGTAGTAATGACGGAGGTCCTTGTACCAGCCCGTGGGCTGACCAGCTGTGGTGCGGTT-3'
Protein context (NP_000190.1, residues 423-443): WYKDLRHYYY[Arg433Trp]ARWELYDRSR

ClinVar aggregate classification (germline): Pathogenic/Likely pathogenic. Review status: criteria provided, multiple submitters, no conflicts (2 of 4 stars). 8 submissions from 8 submitters: Pathogenic (5); Likely pathogenic (2). 1 of the submissions does not count toward it. Last evaluated 2025-08-21.

Conditions:
Mucopolysaccharidosis, MPS-III-A (MPS3A). Also called: SANFILIPPO SYNDROME A; SULFAMIDASE DEFICIENCY; MPS III A; MUCOPOLYSACCHARIDOSIS, TYPE IIIA, ATTENUATED; Mucopolysaccharidosis type IIIA (Sanfilippo A); MPS IIIA (Sanfilippo Syndrome Type A). Identifiers: Orphanet 581, Orphanet 79269, MedGen C0086647, MONDO:0009655, OMIM 252900.
SGSH-related disorder. Also called: SGSH-related condition.

Allele frequency attached by ClinVar (database versions not stated): TOPMed 0.00002; ExAC 0.00003; gnomAD 0.00004 and 0.00003; gnomAD exomes 0.00002.

Submissions (8):

Labcorp Genetics (formerly Invitae), Labcorp
Classification: Pathogenic for Mucopolysaccharidosis, MPS-III-A. Last evaluated: 2025-08-21. Review status: criteria provided, single submitter. Criteria: Invitae Variant Classification Sherloc (09022015). Collection method: clinical testing. Allele origin: germline.
Comment: This sequence change replaces arginine, which is basic and polar, with tryptophan, which is neutral and slightly polar, at codon 433 of the SGSH protein (p.Arg433Trp). This variant is present in population databases (rs777267343, gnomAD 0.009%). This missense change has been observed in individual(s) with mucopolysaccharidosis type IIIB (PMID: 11182930, 15542396, 29023963). ClinVar contains an entry for this variant (Variation ID: 551014). Invitae Evidence Modeling of protein sequence and biophysical properties (such as structural, functional, and spatial information, amino acid conservation, physicochemical variation, residue mobility, and thermodynamic stability) indicates that this missense variant is expected to disrupt SGSH protein function with a positive predictive value of 95%. Experimental studies have shown that this missense change affects SGSH function (PMID: 15542396). For these reasons, this variant has been classified as Pathogenic.

GeneDx
Classification: Pathogenic. Last evaluated: 2025-03-28. Review status: criteria provided, single submitter. Criteria: GeneDx Variant Classification Process June 2021. Collection method: clinical testing. Allele origin: germline. Affected: yes.
Comment: Published functional studies found this variant is associated with significantly reduced enzyme activity (PMID: 15542396); Not observed at significant frequency in large population cohorts (gnomAD); In silico analysis supports that this missense variant has a deleterious effect on protein structure/function; This variant is associated with the following publications: (PMID: 24816101, 25807448, 11182930, 11343308, 22976768, 15146460, 21204211, 34991944, 15542396, 29023963)

Natera, Inc.
Classification: Pathogenic for Mucopolysaccharidosis type IIIA. Last evaluated: 2025-03-17. Review status: criteria provided, single submitter. Criteria: Natera Variant Classification Schema (03/2026). Collection method: clinical testing. Allele origin: germline.
Comment: The c.1297C>T variant in SGSH is a missense variant predicted to cause substitution of arginine to tryptophan at amino acid 433. This variant is rare in the general population with a frequency below the threshold expected for the associated phenotype(s). This variant has been observed in one or more individuals affected with the associated recessive disease, as either homozygous or compound heterozygous with a second variant (PMID: 34991944, 29023963, 24314109, 21204211, 11343308, 11182930). Functional studies show that this variant may disrupt protein function (PMID: 15542396). A different variant at the same position has been determined to be Pathogenic or Likely Pathogenic. Computational prediction algorithms indicate this variant is likely to affect gene or protein function. Given the available evidence, this variant is classified as Pathogenic.

Blueprint Genetics
Classification: Pathogenic for SGSH-related disorders. Last evaluated: 2024-10-29. Review status: criteria provided, single submitter. Criteria: ACMG Guidelines, 2015. Collection method: clinical testing. Allele origin: germline. Affected: yes. Observed: 3 variant alleles.

Genome-Nilou Lab
Classification: Likely pathogenic for Mucopolysaccharidosis, MPS-III-A. Last evaluated: 2021-11-07. Review status: criteria provided, single submitter. Criteria: ACMG Guidelines, 2015. Collection method: clinical testing. Allele origin: germline. Affected: no.

Fulgent Genetics
Classification: Likely pathogenic for Mucopolysaccharidosis, MPS-III-A. Last evaluated: 2021-08-17. Review status: criteria provided, single submitter. Criteria: ACMG Guidelines, 2015. Collection method: clinical testing. Allele origin: unknown.

Women's Health and Genetics/Laboratory Corporation of America, LabCorp
Classification: Pathogenic for Mucopolysaccharidosis, MPS-III-A. Last evaluated: 2019-07-05. Review status: criteria provided, single submitter. Criteria: LabCorp Variant Classification Summary - May 2015. Collection method: clinical testing. Allele origin: germline.
Comment: Variant summary: SGSH c.1297C>T (p.Arg433Trp) results in a non-conservative amino acid change located in a domain of unknown function, DUF4976 (IPR032506) of the encoded protein sequence. Five of five in-silico tools predict a damaging effect of the variant on protein function. The variant allele was found at a frequency of 2e-05 in 250408 control chromosomes (gnomAD). The variant, c.1297C>T, has been reported in the literature in homozygosity or in compound heterozygous state in multiple individuals affected with Mucopolysaccharidosis Type IIIA (Sanfilippo Syndrome A) (e.g. Beesley_2000, Chabas_2001, Heron_2011, Pollard_2013). These data indicate that the variant is very likely to be associated with disease. Publications reported no significant sulfamidase activity in fibroblasts from a homozygous patient (Montfort_2004), and in transiently transfected mammalian cells (Muschol_2004). Two ClinVar submissions from other clinical diagnostic laboratories (evaluation after 2014) cite the variant as likely pathogenic (1x) and pathogenic (1x). Based on the evidence outlined above, the variant was classified as pathogenic.

Counsyl
Classification: Likely pathogenic for Mucopolysaccharidosis, MPS-III-A. Last evaluated: 2017-03-17. Review status: no assertion criteria provided. Collection method: clinical testing. Allele origin: unknown. Not counted in ClinVar's aggregate classification.

Literature cited by the submitters: PubMed 11182930 (cited by 4 submitters); PubMed 15542396 (cited by 4 submitters); PubMed 29023963 (cited by Labcorp Genetics (formerly Invitae), Labcorp and Natera, Inc.); PubMed 34991944 (cited by Natera, Inc.); PubMed 24314109 (cited by Natera, Inc.); PubMed 21204211 (cited by 3 submitters); PubMed 11343308 (cited by 3 submitters); PubMed 22976768 (cited by Women's Health and Genetics/Laboratory Corporation of America, LabCorp); PubMed 15146460 (cited by Women's Health and Genetics/Laboratory Corporation of America, LabCorp and Counsyl).